The following is an entry in ClinVar:

NM_178857.6(RP1L1):c.1268G>C (p.Arg423Pro)

Gene: RP1L1 (RP1 like 1). Cytogenetic location: 8p23.1.
Variant type: single nucleotide variant.
Coding change: c.1268G>C on transcript NM_178857.6 (MANE Select); coding-DNA position 1268, G replaced by C.
Protein change: p.Arg423Pro; replaces arginine 423 with proline.
Molecular consequence: missense variant.
Genome position (GRCh38, 1-based): chr8:10,612,830, C>G on the plus strand (G>C on the coding strand, the complement: RP1L1 is on the minus strand). VCF-style: chr8-10612830-C-G. GRCh37 (hg19) VCF-style: chr8-10470340-C-G.
Other names: short protein forms R423P.
Identifiers: ClinVar variation 361382 (VCV000361382.10), dbSNP rs566321002, ClinGen allele CA4625244.
Genomic context (GRCh38, chr8:10,612,830, plus strand): 5'-GCAGTCCCGTGGCCCCACAGGCCACTGCAGCGGACGTGCTGGGCCAGTCCCCACCTCTTC[C>G]GAGCTGCCACTCTCTCTCCCTGGGAGGCATGCAGGGGATTCGTCCAGATTTCATACTTGG-3'
Protein context (NP_849188.4, residues 413-433): HASQGERVAA[Arg423Pro]KRWGLAQHVR

ClinVar aggregate classification (germline): Conflicting classifications of pathogenicity. Review status: criteria provided, conflicting classifications (1 of 4 stars). 4 submissions from 4 submitters: Uncertain significance (2); Likely benign (1). 1 of the submissions does not count toward it. Last evaluated 2025-10-23.

Conditions:
Occult macular dystrophy (OCMD). Also called: OMD; OCCULT MACULAR DYSTROPHY, SUSCEPTIBILITY TO. Identifiers: Orphanet 247834, MedGen C3150833, MONDO:0013316, OMIM 613587, HP:0030636.
Inborn genetic diseases. Identifiers: MedGen C0950123, MeSH D030342.

Allele frequency attached by ClinVar (database versions not stated): TOPMed 0.00004; gnomAD 0.00006.
gnomAD v4.1: 37 of 1,612,210 alleles (0.0023%); highest among the groups gnomAD compares: Non-Finnish European, 0.0031%; no homozygotes.

Submissions (4):

Ambry Genetics
Classification: Uncertain significance for Inborn genetic diseases. Last evaluated: 2025-10-23. Review status: criteria provided, single submitter. Criteria: Ambry Variant Classification Scheme 2023. Collection method: clinical testing. Allele origin: germline.

Blueprint Genetics
Classification: Uncertain significance. Last evaluated: 2022-05-19. Review status: criteria provided, single submitter. Criteria: ACMG Guidelines, 2015. Collection method: clinical testing. Allele origin: germline.

Illumina Laboratory Services, Illumina
Classification: Likely benign for Occult macular dystrophy. Last evaluated: 2018-01-12. Review status: criteria provided, single submitter. Criteria: ICSL Variant Classification Criteria 13 December 2019. Collection method: clinical testing. Allele origin: germline.
Comment: This variant was observed in the ICSL laboratory as part of a predisposition screen in an ostensibly healthy population. It had not been previously curated by ICSL or reported in the Human Gene Mutation Database (HGMD: prior to June 1st, 2018), and was therefore a candidate for classification through an automated scoring system. Utilizing variant allele frequency, disease prevalence and penetrance estimates, and inheritance mode, an automated score was calculated to assess if this variant is too frequent to cause the disease. Based on the score and internal cut-off values, a variant classified as likely benign is not then subjected to further curation. The score for this variant resulted in a classification of likely benign for this disease.

Department of Pathology and Laboratory Medicine, Sinai Health System
Classification: Uncertain significance. Review status: no assertion criteria provided. Collection method: clinical testing. Allele origin: unknown. Affected: yes. Study: The Canadian Open Genetics Repository (COGR). Not counted in ClinVar's aggregate classification.